The following is an entry in ClinVar:

NM_080680.3(COL11A2):c.403T>C (p.Ser135Pro)

Gene: COL11A2 (collagen type XI alpha 2 chain; minus strand). Cytogenetic location: 6p21.32.
Variant type: single nucleotide variant.
Coding change: c.403T>C on transcript NM_080680.3 (MANE Select); coding-DNA position 403, T replaced by C.
Protein change: p.Ser135Pro; replaces serine 135 with proline.
Molecular consequence: missense variant. On other transcripts: 5 prime UTR variant (3), non-coding transcript variant (1).
Genome position (GRCh38, 1-based): chr6:33,189,018, A>G on the plus strand (T>C on the coding strand, the complement: COL11A2 is on the minus strand). VCF-style: chr6-33189018-A-G. GRCh37 (hg19) VCF-style: chr6-33156795-A-G.
Other names: c.403T>C, p.Ser135Pro (NM_001163771.2, NM_001424108.1, NM_080679.3 and 1 more transcripts); c.-444T>C (NM_001424109.1, NM_001424110.1, NM_001424111.1); short protein forms S135P.
Identifiers: ClinVar variation 2896356 (VCV002896356.1), dbSNP rs768693164, ClinGen allele CA3751677.

ClinVar aggregate classification (germline): Uncertain significance (1 of 4 stars; one submission).

Allele frequency attached by ClinVar (database versions not stated): gnomAD exomes below 0.00001; ExAC 0.00001.

Submission:

Labcorp Genetics (formerly Invitae), Labcorp
Classification: Uncertain significance. Last evaluated: 2023-12-01. Review status: criteria provided, single submitter. Criteria: Invitae Variant Classification Sherloc (09022015). Collection method: clinical testing. Allele origin: germline.
Comment: This sequence change replaces serine, which is neutral and polar, with proline, which is neutral and non-polar, at codon 135 of the COL11A2 protein (p.Ser135Pro). This variant is present in population databases (rs768693164, gnomAD 0.01%). This variant has not been reported in the literature in individuals affected with COL11A2-related conditions. Advanced modeling of protein sequence and biophysical properties (such as structural, functional, and spatial information, amino acid conservation, physicochemical variation, residue mobility, and thermodynamic stability) performed at Invitae indicates that this missense variant is not expected to disrupt COL11A2 protein function with a negative predictive value of 95%. In summary, the available evidence is currently insufficient to determine the role of this variant in disease. Therefore, it has been classified as a Variant of Uncertain Significance.